The following is an entry in ClinVar:

ClinVar aggregate classification (germline): Uncertain significance (1 of 4 stars; one submission).

Conditions:
Primary ciliary dyskinesia. Also called: Ciliary dyskinesia. Identifiers: Orphanet 244, MedGen C0008780, MONDO:0016575, HP:0012265.

gnomAD v4.1: 1 of 1,613,488 alleles (0.000062%); highest among the groups gnomAD compares: Non-Finnish European, 0.000085%; no homozygotes.

Submission:

Labcorp Genetics (formerly Invitae), Labcorp
Classification: Uncertain significance for Primary ciliary dyskinesia. Last evaluated: 2022-03-04. Review status: criteria provided, single submitter. Criteria: Invitae Variant Classification Sherloc (09022015). Collection method: clinical testing. Allele origin: germline.
Comment: Advanced modeling of protein sequence and biophysical properties (such as structural, functional, and spatial information, amino acid conservation, physicochemical variation, residue mobility, and thermodynamic stability) performed at Invitae indicates that this missense variant is not expected to disrupt DNAH11 protein function. This sequence change replaces arginine, which is basic and polar, with glycine, which is neutral and non-polar, at codon 438 of the DNAH11 protein (p.Arg438Gly). This variant is not present in population databases (gnomAD no frequency). This variant has not been reported in the literature in individuals affected with DNAH11-related conditions. In summary, the available evidence is currently insufficient to determine the role of this variant in disease. Therefore, it has been classified as a Variant of Uncertain Significance.

NM_001277115.2(DNAH11):c.1312A>G (p.Arg438Gly)

Gene: DNAH11 (dynein axonemal heavy chain 11; plus strand). Cytogenetic location: 7p15.3.
Variant type: single nucleotide variant.
Coding change: c.1312A>G on transcript NM_001277115.2 (MANE Select); coding-DNA position 1312, A replaced by G.
Protein change: p.Arg438Gly; replaces arginine 438 with glycine.
Molecular consequence: missense variant.
Genome position (GRCh38, 1-based): chr7:21,570,186, A>G. VCF-style: chr7-21570186-A-G. GRCh37 (hg19) VCF-style: chr7-21609804-A-G.
Other names: c.1312A>G, p.Arg438Gly (NM_003777.3); short protein forms R438G.
Identifiers: ClinVar variation 2105604 (VCV002105604.4), dbSNP rs2534519866, ClinGen allele CA366934824.
Genomic context (GRCh38, chr7:21,570,186, plus strand): 5'-GAAAAGGTGCAGGTGGCTGTTAACATCTTAAAGACTTTCAAAAACTCCTTTTTCAACTAT[A>G]GAAAAAAATTGGCAAGCTACTTTATGGGAAGAAAGCTGAGACCATGGGATTTCCAGTCTC-3'
Protein context (NP_001264044.1, residues 428-448): KTFKNSFFNY[Arg438Gly]KKLASYFMGR